The following is an entry in ClinVar:

NM_006231.4(POLE):c.272G>A (p.Gly91Glu)

Gene: POLE (DNA polymerase epsilon, catalytic subunit; minus strand). Cytogenetic location: 12q24.33.
Variant type: single nucleotide variant.
Coding change: c.272G>A on transcript NM_006231.4 (MANE Select); coding-DNA position 272, G replaced by A.
Protein change: p.Gly91Glu; replaces glycine 91 with glutamic acid.
Molecular consequence: missense variant.
Genome position (GRCh38, 1-based): chr12:132,680,620, C>T on the plus strand (G>A on the coding strand, the complement: POLE is on the minus strand). VCF-style: chr12-132680620-C-T. GRCh37 (hg19) VCF-style: chr12-133257206-C-T.
Other names: short protein forms G91E.
Identifiers: ClinVar variation 220670 (VCV000220670.16), dbSNP rs376348304, ClinGen allele CA349317.

ClinVar aggregate classification (germline): Uncertain significance. Review status: criteria provided, multiple submitters, no conflicts (2 of 4 stars). 5 submissions from 5 submitters: Uncertain significance (5). Last evaluated 2026-01-27.

Conditions:
Hereditary cancer-predisposing syndrome. Also called: Hereditary neoplastic syndrome; Tumor predisposition; Hereditary Cancer Syndrome; Neoplastic Syndromes, Hereditary. Identifiers: Orphanet 140162, MedGen C0027672, MeSH D009386, MONDO:0015356.

Allele frequency attached by ClinVar (database versions not stated): gnomAD exomes below 0.00001 and 0.00002; gnomAD 0.00001; TOPMed 0.00001; ExAC 0.00002.
gnomAD v4.1: 12 of 1,613,566 alleles (0.00074%); highest among the groups gnomAD compares: East Asian, 0.0022%; no homozygotes.

Submissions (5):

Labcorp Genetics (formerly Invitae), Labcorp
Classification: Uncertain significance. Last evaluated: 2026-01-27. Review status: criteria provided, single submitter. Criteria: Invitae Variant Classification Sherloc (09022015). Collection method: clinical testing. Allele origin: germline.
Comment: This sequence change replaces glycine, which is neutral and non-polar, with glutamic acid, which is acidic and polar, at codon 91 of the POLE protein (p.Gly91Glu). This variant is present in population databases (rs376348304, gnomAD 0.01%). This variant has not been reported in the literature in individuals affected with POLE-related conditions. ClinVar contains an entry for this variant (Variation ID: 220670). Invitae Evidence Modeling of protein sequence and biophysical properties (such as structural, functional, and spatial information, amino acid conservation, physicochemical variation, residue mobility, and thermodynamic stability) indicates that this missense variant is expected to disrupt POLE protein function with a positive predictive value of 80%. In summary, the available evidence is currently insufficient to determine the role of this variant in disease. Therefore, it has been classified as a Variant of Uncertain Significance.

Ambry Genetics
Classification: Uncertain significance for Hereditary cancer-predisposing syndrome. Last evaluated: 2024-12-09. Review status: criteria provided, single submitter. Criteria: Ambry Variant Classification Scheme 2023. Collection method: clinical testing. Allele origin: germline.
Comment: The p.G91E variant (also known as c.272G>A), located in coding exon 3 of the POLE gene, results from a G to A substitution at nucleotide position 272. The glycine at codon 91 is replaced by glutamic acid, an amino acid with similar properties. This amino acid position is highly conserved in available vertebrate species. In addition, the in silico prediction for this alteration is inconclusive. Based on the available evidence, the clinical significance of this variant remains unclear.

GeneDx
Classification: Uncertain significance. Last evaluated: 2024-07-15. Review status: criteria provided, single submitter. Criteria: GeneDx Variant Classification Process June 2021. Collection method: clinical testing. Allele origin: germline. Affected: yes.
Comment: Not observed at significant frequency in large population cohorts (gnomAD); In silico analysis supports that this missense variant has a deleterious effect on protein structure/function; Has not been previously published as pathogenic or benign to our knowledge

Women's Health and Genetics/Laboratory Corporation of America, LabCorp
Classification: Uncertain significance. Last evaluated: 2023-03-24. Review status: criteria provided, single submitter. Criteria: LabCorp Variant Classification Summary - May 2015. Collection method: clinical testing. Allele origin: germline.

Quest Diagnostics Nichols Institute San Juan Capistrano
Classification: Uncertain significance. Last evaluated: 2017-09-29. Review status: criteria provided, single submitter. Criteria: Quest Diagnostics criteria. Collection method: clinical testing. Allele origin: germline.